The following is an entry in ClinVar:

NM_015267.4(CUX2):c.1921C>T (p.Arg641Cys)

Gene: CUX2 (cut like homeobox 2; plus strand). Cytogenetic location: 12q24.12.
Variant type: single nucleotide variant.
Coding change: c.1921C>T on transcript NM_015267.4 (MANE Select); coding-DNA position 1921, C replaced by T.
Protein change: p.Arg641Cys; replaces arginine 641 with cysteine.
Molecular consequence: missense variant.
Genome position (GRCh38, 1-based): chr12:111,312,120, C>T. VCF-style: chr12-111312120-C-T. GRCh37 (hg19) VCF-style: chr12-111749924-C-T.
Other names: c.1735C>T, p.Arg579Cys (NM_001370598.1); short protein forms R641C, R579C.
Identifiers: ClinVar variation 2285364 (VCV002285364.3), dbSNP rs747887990, ClinGen allele CA6788765.

ClinVar aggregate classification (germline): Uncertain significance (1 of 4 stars; one submission).

Conditions:
Inborn genetic diseases. Identifiers: MedGen C0950123, MeSH D030342.

Allele frequency attached by ClinVar (database versions not stated): ExAC 0.00001; TOPMed 0.00002; gnomAD exomes 0.00001.
gnomAD v4.1: 16 of 1,611,182 alleles (0.00099%); highest among the groups gnomAD compares: Non-Finnish European, 0.00025%; no homozygotes.

Submission:

Ambry Genetics
Classification: Uncertain significance for Inborn genetic diseases. Last evaluated: 2026-03-19. Review status: criteria provided, single submitter. Criteria: Ambry Variant Classification Scheme 2023. Collection method: clinical testing. Allele origin: germline.
Comment: The c.1921C>T (p.R641C) alteration is located in exon 16 (coding exon 16) of the CUX2 gene. This alteration results from a C to T substitution at nucleotide position 1921, causing the arginine (R) at amino acid position 641 to be replaced by a cysteine (C). Based on data from gnomAD, the T allele has an overall frequency of 0.002% (4/248022) total alleles studied. The highest observed frequency was 0.03% (3/10010) of Ashkenazi Jewish alleles. Based on insufficient or conflicting evidence, the clinical significance of this alteration remains unclear.